The following is an entry in ClinVar:

ClinVar aggregate classification (germline): Uncertain significance (1 of 4 stars; one submission).

Conditions:
Brachyolmia-amelogenesis imperfecta syndrome. Also called: PLATYSPONDYLY WITH AMELOGENESIS IMPERFECTA; Tooth agenesis, selective, 6; Dental anomalies and short stature. Identifiers: Orphanet 2899, MedGen C1832594, MONDO:0011018, OMIM 601216. Disease mechanism: loss of function.

Submission:

Labcorp Genetics (formerly Invitae), Labcorp
Classification: Uncertain significance for Brachyolmia-amelogenesis imperfecta syndrome. Last evaluated: 2025-05-30. Review status: criteria provided, single submitter. Criteria: Invitae Variant Classification Sherloc (09022015). Collection method: clinical testing. Allele origin: germline.
Comment: This sequence change replaces methionine, which is neutral and non-polar, with threonine, which is neutral and polar, at codon 15 of the LTBP3 protein (p.Met15Thr). This variant is not present in population databases (gnomAD no frequency). This variant has not been reported in the literature in individuals affected with LTBP3-related conditions. ClinVar contains an entry for this variant (Variation ID: 3012482). Experimental studies and prediction algorithms are not available or were not evaluated, and the functional significance of this variant is currently unknown. In summary, the available evidence is currently insufficient to determine the role of this variant in disease. Therefore, it has been classified as a Variant of Uncertain Significance.

NM_001130144.3(LTBP3):c.44T>C (p.Met15Thr)

Gene: LTBP3 (latent transforming growth factor beta binding protein 3; minus strand). Cytogenetic location: 11q13.1.
Variant type: single nucleotide variant.
Coding change: c.44T>C on transcript NM_001130144.3 (MANE Select); coding-DNA position 44, T replaced by C.
Protein change: p.Met15Thr; replaces methionine 15 with threonine.
Molecular consequence: missense variant. On other transcripts: 5 prime UTR variant (1).
Genome position (GRCh38, 1-based): chr11:65,557,916, A>G on the plus strand (T>C on the coding strand, the complement: LTBP3 is on the minus strand). VCF-style: chr11-65557916-A-G. GRCh37 (hg19) VCF-style: chr11-65325387-A-G.
Other names: c.-304T>C (NM_001164266.1); c.44T>C, p.Met15Thr (NM_021070.4); short protein forms M15T.
Identifiers: ClinVar variation 3012482 (VCV003012482.3), dbSNP rs2496187817, ClinGen allele CA381278766.